The following is an entry in ClinVar:

NM_004369.4(COL6A3):c.7331G>C (p.Arg2444Pro)

Gene: COL6A3 (collagen type VI alpha 3 chain; minus strand). Cytogenetic location: 2q37.3.
Variant type: single nucleotide variant.
Coding change: c.7331G>C on transcript NM_004369.4 (MANE Select); coding-DNA position 7331, G replaced by C.
Protein change: p.Arg2444Pro; replaces arginine 2444 with proline.
Molecular consequence: missense variant.
Genome position (GRCh38, 1-based): chr2:237,344,687, C>G on the plus strand (G>C on the coding strand, the complement: COL6A3 is on the minus strand). VCF-style: chr2-237344687-C-G. GRCh37 (hg19) VCF-style: chr2-238253330-C-G.
Other names: c.5510G>C, p.Arg1837Pro (NM_057166.5); c.6713G>C, p.Arg2238Pro (NM_057167.4); short protein forms R2444P, R2238P, R1837P.
Identifiers: ClinVar variation 476555 (VCV000476555.10), dbSNP rs895701604, ClinGen allele CA351203731.

ClinVar aggregate classification (germline): Likely pathogenic (1 of 4 stars; one submission).

Conditions:
Bethlem myopathy 1A. Also called: Bethlem Muscular Dystrophy; MYOPATHY, BENIGN CONGENITAL, WITH CONTRACTURES; Bethlem myopathy 1. Identifiers: Orphanet 610, MedGen CN029274, MONDO:0024530, OMIM 158810.

Submission:

Labcorp Genetics (formerly Invitae), Labcorp
Classification: Likely pathogenic for Bethlem myopathy 1A. Last evaluated: 2022-06-17. Review status: criteria provided, single submitter. Criteria: Invitae Variant Classification Sherloc (09022015). Collection method: clinical testing. Allele origin: germline.
Comment: In summary, the currently available evidence indicates that the variant is pathogenic, but additional data are needed to prove that conclusively. Therefore, this variant has been classified as Likely Pathogenic. Advanced modeling of protein sequence and biophysical properties (such as structural, functional, and spatial information, amino acid conservation, physicochemical variation, residue mobility, and thermodynamic stability) performed at Invitae indicates that this missense variant is expected to disrupt COL6A3 protein function. ClinVar contains an entry for this variant (Variation ID: 476555). This missense change has been observed in individual(s) with autosomal recessive COL6A3-related conditions (Invitae). In at least one individual the data is consistent with being in trans (on the opposite chromosome) from a pathogenic variant. This variant is not present in population databases (gnomAD no frequency). This sequence change replaces arginine, which is basic and polar, with proline, which is neutral and non-polar, at codon 2444 of the COL6A3 protein (p.Arg2444Pro).